The following is an entry in ClinVar:

NM_024649.5(BBS1):c.158dup (p.Leu54fs)

Gene: BBS1 (Bardet-Biedl syndrome 1; plus strand). Cytogenetic location: 11q13.2.
Variant type: Duplication.
Coding change: c.158dup on transcript NM_024649.5 (MANE Select); coding-DNA position 158, one base duplicated (A; older notation c.158dupA).
Protein change: p.Leu54fs; shifts the reading frame from leucine 54.
Molecular consequence: frameshift variant.
Genome position (GRCh38, 1-based): chr11:66,511,238, A duplicated; the last of 2 consecutive A bases (chr11:66,511,237-66,511,238); duplicating either gives the same sequence. VCF-style (leftmost placement, unchanged base first): chr11-66511236-C-CA. GRCh37 (hg19) VCF-style: chr11-66278707-C-CA.
Other names: c.158dupA (NM_024649.4); short protein forms L54fs.
Identifiers: ClinVar variation 556015 (VCV000556015.9), dbSNP rs1313590454, ClinGen allele CA599874935.

ClinVar aggregate classification (germline): Pathogenic/Likely pathogenic. Review status: criteria provided, multiple submitters, no conflicts (2 of 4 stars). 4 submissions from 4 submitters: Pathogenic (1); Likely pathogenic (2). 1 of the submissions does not count toward it. Last evaluated 2026-02-13.

Conditions:
Bardet-Biedl syndrome 1 (BBS1). Identifiers: MedGen C2936862, MONDO:0008854, OMIM 209900. Disease mechanism: loss of function.
Bardet-Biedl syndrome (BBS). Identifiers: Orphanet 110, MedGen C0752166, MONDO:0015229.

Submissions (4):

OLLIN Analises Genomicas, OLLIN
Classification: Likely pathogenic for Bardet-Biedl syndrome 1. Last evaluated: 2026-02-13. Review status: criteria provided, single submitter. Criteria: ACMG Guidelines 2015 PMID 25741868. Collection method: clinical testing. Allele origin: germline. Observed: 1 variant allele.
Comment: PVS1, PM2_P

Dasa
Classification: Likely pathogenic. Last evaluated: 2025-04-14. Review status: criteria provided, single submitter. Criteria: DASA Assertion Criteria. Collection method: clinical testing. Allele origin: germline.
Comment: NM_024649.5(BBS1):c.158dup (p.Leu54Alafs*45) is a frameshift variant in BBS1 predicted to alter the reading frame and introduce a premature termination codon and is predicted to result in an absent or altered protein product. Loss of function is an established disease mechanism for BBS1-associated disorders. Also, this variant is rare in population databases. Based on the currently available evidence, this variant is classified as likely pathogenic.

Labcorp Genetics (formerly Invitae), Labcorp
Classification: Pathogenic for Bardet-Biedl syndrome. Last evaluated: 2022-02-20. Review status: criteria provided, single submitter. Criteria: Invitae Variant Classification Sherloc (09022015). Collection method: clinical testing. Allele origin: germline.
Comment: For these reasons, this variant has been classified as Pathogenic. ClinVar contains an entry for this variant (Variation ID: 556015). This variant has not been reported in the literature in individuals affected with BBS1-related conditions. This variant is present in population databases (no rsID available, gnomAD 0.0009%). This sequence change creates a premature translational stop signal (p.Leu54Alafs*45) in the BBS1 gene. It is expected to result in an absent or disrupted protein product. Loss-of-function variants in BBS1 are known to be pathogenic (PMID: 12118255, 21520335, 27032803).

Counsyl
Classification: Likely pathogenic for Bardet-Biedl syndrome 1. Last evaluated: 2018-01-08. Review status: no assertion criteria provided. Collection method: clinical testing. Allele origin: unknown. Not counted in ClinVar's aggregate classification.

Literature cited by the submitters: PubMed 12118255 (cited by Labcorp Genetics (formerly Invitae), Labcorp); PubMed 21520335 (cited by Labcorp Genetics (formerly Invitae), Labcorp); PubMed 27032803 (cited by Labcorp Genetics (formerly Invitae), Labcorp).